The following is an entry in ClinVar:

ClinVar aggregate classification (germline): Pathogenic/Likely pathogenic. Review status: criteria provided, multiple submitters, no conflicts (2 of 4 stars). 2 submissions from 2 submitters: Pathogenic (1); Likely pathogenic (1). Last evaluated 2021-07-08.

Conditions:
Von Hippel-Lindau syndrome (VHLS). Also called: Von Hippel-Lindau; VHL syndrome; von Hippel–Lindau syndrome. Identifiers: Orphanet 892, MedGen C0019562, MONDO:0008667, OMIM 193300. Disease mechanism: loss of function.
Hereditary cancer-predisposing syndrome. Also called: Tumor predisposition; Hereditary neoplastic syndrome; Neoplastic Syndromes, Hereditary; Hereditary Cancer Syndrome. Identifiers: Orphanet 140162, MedGen C0027672, MeSH D009386, MONDO:0015356.

Submissions (2):

Ambry Genetics
Classification: Pathogenic for Hereditary cancer-predisposing syndrome. Last evaluated: 2021-07-08. Review status: criteria provided, single submitter. Criteria: Ambry Variant Classification Scheme 2023. Collection method: clinical testing. Allele origin: germline.
Comment: The c.483delA pathogenic mutation, located in coding exon 3 of the VHL gene, results from a deletion of one nucleotide at nucleotide position 483, causing a translational frameshift with a predicted alternate stop codon (p.C162Afs*8). This alteration, designated "delA in 696", was identified in one patient with Von Hippel-Lindau syndrome (Benhammou JN et al. J Urol. 2010 Nov;184:1855-9). This alteration is expected to result in loss of function by premature protein truncation or nonsense-mediated mRNA decay. In addition to the clinical data presented in the literature, this alteration is interpreted as a disease-causing mutation.

Women's Health and Genetics/Laboratory Corporation of America, LabCorp
Classification: Likely pathogenic for Von Hippel-Lindau syndrome. Last evaluated: 2019-10-29. Review status: criteria provided, single submitter. Criteria: LabCorp Variant Classification Summary - May 2015. Collection method: clinical testing. Allele origin: germline.
Comment: Variant summary: VHL c.483delA (p.Cys162AlafsX8) results in a premature termination codon, predicted to cause a truncation of the encoded protein or absence of the protein due to nonsense mediated decay, which are commonly known mechanisms for disease. Truncations downstream of this position have been classified as pathogenic by our laboratory. The variant was absent in 251440 control chromosomes (gnomAD). c.483delA has been reported in the literature in an individual affected with Von Hippel-Lindau Syndrome (Benhammou_2010). To our knowledge, no experimental evidence demonstrating an impact on protein function has been reported. No clinical diagnostic laboratories have submitted clinical-significance assessments for this variant to ClinVar after 2014. Based on the evidence outlined above, the variant was classified as likely pathogenic.

Literature cited by the submitters: PubMed 20846682 (cited by Ambry Genetics and Women's Health and Genetics/Laboratory Corporation of America, LabCorp).

NM_000551.4(VHL):c.483del (p.Cys162fs)

Genes: VHL (von Hippel-Lindau tumor suppressor; plus strand), LOC107303340 (3p25 von Hippel-Lindau tumor suppressor, E3 ubiquitin protein ligase Alu-mediated recombination region; plus strand). Cytogenetic location: 3p25.3.
Variant type: Deletion.
Coding change: c.483del on transcript NM_000551.4 (MANE Select); coding-DNA position 483, one base deleted (A; older notation c.483delA).
Protein change: p.Cys162fs; shifts the reading frame from cysteine 162.
Molecular consequence: frameshift variant. On other transcripts: 3 prime UTR variant (1).
Genome position (GRCh38, 1-based): chr3:10,149,806, A deleted. VCF-style (leftmost placement, unchanged base first): chr3-10149805-GA-G. GRCh37 (hg19) VCF-style: chr3-10191489-GA-G.
Other names: c.483delA (NM_000551.3); c.*37del (NM_001354723.2); c.360del, p.Cys121fs (NM_198156.3); short protein forms C121fs, C162fs.
Identifiers: ClinVar variation 928822 (VCV000928822.3), dbSNP rs1696355438, ClinGen allele CA658795183.